The following is an entry in ClinVar:

ClinVar aggregate classification (germline): Uncertain significance (1 of 4 stars; one submission).

Allele frequency attached by ClinVar (database versions not stated): TOPMed below 0.00001; gnomAD 0.00001.
gnomAD v4.1: 2 of 1,613,816 alleles (0.00012%); highest among the groups gnomAD compares: African/African-American, 0.0027%; no homozygotes.

Submission:

Labcorp Genetics (formerly Invitae), Labcorp
Classification: Uncertain significance. Last evaluated: 2021-03-12. Review status: criteria provided, single submitter. Criteria: Invitae Variant Classification Sherloc (09022015). Collection method: clinical testing. Allele origin: germline.
Comment: This sequence change replaces threonine with asparagine at codon 1816 of the KIAA1549 protein (p.Thr1816Asn). The threonine residue is highly conserved and there is a small physicochemical difference between threonine and asparagine. This variant is not present in population databases (ExAC no frequency). This variant has not been reported in the literature in individuals with KIAA1549-related conditions. Algorithms developed to predict the effect of missense changes on protein structure and function are either unavailable or do not agree on the potential impact of this missense change (SIFT: "Deleterious"; PolyPhen-2: "Probably Damaging"; Align-GVGD: "Class C0"). Algorithms developed to predict the effect of sequence changes on RNA splicing suggest that this variant may create or strengthen a splice site, but this prediction has not been confirmed by published transcriptional studies. In summary, the available evidence is currently insufficient to determine the role of this variant in disease. Therefore, it has been classified as a Variant of Uncertain Significance.

NM_001164665.2(KIAA1549):c.5447C>A (p.Thr1816Asn)

Gene: KIAA1549 (KIAA1549; minus strand). Cytogenetic location: 7q34.
Variant type: single nucleotide variant.
Coding change: c.5447C>A on transcript NM_001164665.2 (MANE Select); coding-DNA position 5447, C replaced by A.
Protein change: p.Thr1816Asn; replaces threonine 1816 with asparagine.
Molecular consequence: missense variant.
Genome position (GRCh38, 1-based): chr7:138,844,322, G>T on the plus strand (C>A on the coding strand, the complement: KIAA1549 is on the minus strand). VCF-style: chr7-138844322-G-T. GRCh37 (hg19) VCF-style: chr7-138529067-G-T.
Other names: c.5447C>A, p.Thr1816Asn (NM_020910.3); short protein forms T1816N.
Identifiers: ClinVar variation 1378582 (VCV001378582.8), dbSNP rs1221915922, ClinGen allele CA369388402.